The following is an entry in ClinVar:

ClinVar aggregate classification (germline): Pathogenic (1 of 4 stars; one submission).

Submission:

Labcorp Genetics (formerly Invitae), Labcorp
Classification: Pathogenic. Last evaluated: 2020-05-27. Review status: criteria provided, single submitter. Criteria: Invitae Variant Classification Sherloc (09022015). Collection method: clinical testing. Allele origin: germline.
Comment: For these reasons, this variant has been classified as Pathogenic. Loss-of-function variants in MSH3 are known to be pathogenic (PMID: 27476653). This variant has not been reported in the literature in individuals with MSH3-related conditions. This variant is an out-of-frame deletion of the genomic region encompassing exon(s) 19 of the MSH3 gene. This is expected to create a premature translational stop signal and result in an absent or disrupted protein product.

Literature cited by the submitters: PubMed 27476653.

NC_000005.9:g.(?_80088542)_(80088673_?)del

Gene: MSH3 (mutS homolog 3; plus strand). Cytogenetic location: 5q14.1.
Variant type: Deletion.
Identifiers: ClinVar variation 1072399 (VCV001072399.5).